The following is an entry in ClinVar:

ClinVar aggregate classification (germline): Likely pathogenic. Review status: reviewed by expert panel (3 of 4 stars). 2 submissions from 2 submitters: Likely pathogenic (1). 1 of the submissions does not count toward it. Last evaluated 2022-04-14.

Conditions:
Monogenic diabetes. Identifiers: Orphanet 183625, MedGen C3888631, MONDO:0015967.
Maturity-onset diabetes of the young type 3. Also called: MODY type 3; MODY, type III. Identifiers: Orphanet 552, MedGen C1838100, MeSH C563933, MONDO:0010894, OMIM 600496. Disease mechanism: loss of function.

Submissions (2):

ClinGen Monogenic Diabetes Variant Curation Expert Panel
Classification: Likely pathogenic for Monogenic diabetes. Last evaluated: 2022-04-14. Review status: reviewed by expert panel. Criteria: ClinGen Diabetes ACMG Specifications v1 1. Collection method: curation. Allele origin: germline. Inheritance: Autosomal dominant inheritance.
Comment: The c.811C>G variant in the HNF1 homeobox A gene, HNF1A, causes an amino acid change of arginine to glycine at codon 271 (p. (Arg271Trp) of NM_000545.8. This variant resides in an amino acid within the HNF1α DNA binding domain that directly binds DNA, which is defined as critical for the protein’s function by the ClinGen MDEP (PM1) and is absent from gnomAD v2.1.1 (PM2_Supporting). Two other missense variants, c.811C>T (p.Arg271Trp) and c.812G>A (p.Arg271Gln), have been interpreted as pathogenic by the ClinGen MDEP, and p.Arg271Gly has a greater Grantham distance than both p.Arg271Trp and p.Arg271Gln (PM5_Strong). This variant is predicted to be deleterious by computational evidence, with a REVEL score of 0.911, which is greater than the MDEP VCEP threshold of 0.70 (PP3). This variant was identified in two individual with a clinical history suggestive of HNF1A-MODY (MODY probability calculator result >50%); however, HNF4A was not tested, and PP4 was not applied (internal lab contributors). In summary, c.811C>G meets the criteria to be classified as likely pathogenic for monogenic diabetes. ACMG/AMP criteria applied, as specified by the ClinGen MDEP (specification version 1.1, approved 9/30/2021): PM1, PM2_Supporting, PM5_Strong, PP3.

Stone Lab, Washington University School of Medicine
Classification: Pathogenic for Maturity-onset diabetes of the young type 3. Review status: no assertion criteria provided. Collection method: clinical testing. Allele origin: paternal. Inheritance: Autosomal dominant inheritance. Affected: yes. Observed: 1 heterozygote. Not counted in ClinVar's aggregate classification.

NM_000545.8(HNF1A):c.811C>G (p.Arg271Gly)

Gene: HNF1A (HNF1 homeobox A; plus strand). Cytogenetic location: 12q24.31.
Variant type: single nucleotide variant.
Coding change: c.811C>G on transcript NM_000545.8 (MANE Select); coding-DNA position 811, C replaced by G.
Protein change: p.Arg271Gly; replaces arginine 271 with glycine.
Molecular consequence: missense variant.
Genome position (GRCh38, 1-based): chr12:120,994,261, C>G. VCF-style: chr12-120994261-C-G. GRCh37 (hg19) VCF-style: chr12-121432064-C-G.
Other names: NM_001306179.1:c.811C>G; c.811C>G, p.Arg271Gly (NM_001306179.2); short protein forms R271G.
Identifiers: ClinVar variation 1338730 (VCV001338730.6), dbSNP rs886039386, ClinGen allele CA386966350.